The following is an entry in ClinVar:

NM_018897.3(DNAH7):c.4005T>C (p.Thr1335=)

Gene: DNAH7 (dynein axonemal heavy chain 7; minus strand). Cytogenetic location: 2q32.3.
Variant type: single nucleotide variant.
Coding change: c.4005T>C on transcript NM_018897.3 (MANE Select); coding-DNA position 4005, T replaced by C.
Protein change: p.Thr1335=; no amino-acid change (threonine 1335 retained).
Molecular consequence: synonymous variant.
Genome position (GRCh38, 1-based): chr2:195,910,126, A>G on the plus strand (T>C on the coding strand, the complement: DNAH7 is on the minus strand). VCF-style: chr2-195910126-A-G. GRCh37 (hg19) VCF-style: chr2-196774850-A-G.
Identifiers: ClinVar variation 791386 (VCV000791386.7), dbSNP rs149643286, ClinGen allele CA2035864.

ClinVar aggregate classification (germline): Benign. Review status: criteria provided, multiple submitters, no conflicts (2 of 4 stars). 3 submissions from 3 submitters: Benign (2). 1 of the submissions does not count toward it. Last evaluated 2019-12-31.

Conditions:
DNAH7-related disorder. Also called: DNAH7-related condition.

Allele frequency attached by ClinVar (database versions not stated): gnomAD exomes 0.00119 and 0.00283; ExAC 0.00359; ESP Exome Variant Server 0.01093; gnomAD 0.01137 and 0.01211; TOPMed 0.01258; 1000 Genomes Project 0.01318; 1000 Genomes Project 30x 0.01405.
gnomAD v4.1: 3,535 of 1,613,844 alleles (0.22%); highest among the groups gnomAD compares: African/African-American, 4%; 73 homozygotes.

Submissions (3):

Labcorp Genetics (formerly Invitae), Labcorp
Classification: Benign. Last evaluated: 2019-12-31. Review status: criteria provided, single submitter. Criteria: Invitae Variant Classification Sherloc (09022015). Collection method: clinical testing. Allele origin: germline.

Breakthrough Genomics
Classification: Benign. Review status: criteria provided, single submitter. Criteria: ACMG Guidelines, 2015. Collection method: not provided. Allele origin: germline. Inheritance: Unknown mechanism. Affected: yes.

PreventionGenetics, part of Exact Sciences
Classification: Likely benign for DNAH7-related condition. Last evaluated: 2020-02-26. Review status: no assertion criteria provided. Collection method: clinical testing. Allele origin: germline. Not counted in ClinVar's aggregate classification.
Comment: This variant is classified as likely benign based on ACMG/AMP sequence variant interpretation guidelines (Richards et al. 2015 PMID: 25741868, with internal and published modifications).